The following is an entry in ClinVar:

ClinVar aggregate classification (germline): Uncertain significance (1 of 4 stars; one submission).

Conditions:
Bartter disease type 5. Also called: Bartter syndrome, type 5, antenatal, transient. Identifiers: Orphanet 112, Orphanet 570371, MedGen C4310820, MONDO:0010503, OMIM 300971.

gnomAD v4.1: 2 of 1,211,268 alleles (0.00017%); highest among the groups gnomAD compares: Non-Finnish European, 0.00022%; no homozygotes.

Submission:

Juno Genomics, Hangzhou Juno Genomics, Inc
Classification: Uncertain significance for Bartter disease type 5. Review status: criteria provided, single submitter. Criteria: ACMG Guidelines, 2015. Collection method: clinical testing. Allele origin: germline. Affected: yes.
Comment: Absent from controls (or at extremely low frequency if recessive) in Genome Aggregation Database, Exome Sequencing Project, 1000 Genomes Project, or Exome Aggregation Consortium.;Patient's phenotype or family history is highly specific for a disease with a single genetic etiology.;Assumed de novo, but without confirmation of paternity and maternity.;The prevalence of the variant in affected individuals is significantly increased compared to the prevalence in controls.

NM_177433.3(MAGED2):c.1337G>A (p.Arg446His)

Gene: MAGED2 (MAGE family member D2; plus strand). Cytogenetic location: Xp11.21.
Variant type: single nucleotide variant.
Coding change: c.1337G>A on transcript NM_177433.3 (MANE Select); coding-DNA position 1337, G replaced by A.
Protein change: p.Arg446His; replaces arginine 446 with histidine.
Molecular consequence: missense variant.
Genome position (GRCh38, 1-based): chrX:54,814,726, G>A. VCF-style: chrX-54814726-G-A. GRCh37 (hg19) VCF-style: chrX-54841159-G-A.
Other names: c.1337G>A, p.Arg446His (NM_014599.6, NM_201222.3); short protein forms R446H.
Identifiers: ClinVar variation 3382890 (VCV003382890.2).